The following is an entry in ClinVar:

ClinVar aggregate classification (germline): Uncertain significance (1 of 4 stars; one submission).

Conditions:
Joubert syndrome. Also called: JOUBERT-BOLTSHAUSER SYNDROME; Familial aplasia of the vermis. Identifiers: Orphanet 475, MedGen C5979921, MONDO:0018772.
Meckel-Gruber syndrome. Also called: Dysencephalia splachnocystica; DYSENCEPHALIA SPLANCHNOCYSTICA; GRUBER SYNDROME. Identifiers: Orphanet 564, MedGen C0265215, MONDO:0018921.

Allele frequency attached by ClinVar (database versions not stated): gnomAD exomes 0.00001.
gnomAD v4.1: 5 of 1,610,100 alleles (0.00031%); highest among the groups gnomAD compares: South Asian, 0.0045%; no homozygotes.

Submission:

Labcorp Genetics (formerly Invitae), Labcorp
Classification: Uncertain significance for Joubert syndrome; Meckel-Gruber syndrome. Last evaluated: 2022-10-05. Review status: criteria provided, single submitter. Criteria: Invitae Variant Classification Sherloc (09022015). Collection method: clinical testing. Allele origin: germline.
Comment: ClinVar contains an entry for this variant (Variation ID: 1035902). This sequence change replaces proline, which is neutral and non-polar, with serine, which is neutral and polar, at codon 619 of the CC2D2A protein (p.Pro619Ser). This variant is present in population databases (no rsID available, gnomAD 0.007%). This variant has not been reported in the literature in individuals affected with CC2D2A-related conditions. Advanced modeling of protein sequence and biophysical properties (such as structural, functional, and spatial information, amino acid conservation, physicochemical variation, residue mobility, and thermodynamic stability) performed at Invitae indicates that this missense variant is not expected to disrupt CC2D2A protein function. In summary, the available evidence is currently insufficient to determine the role of this variant in disease. Therefore, it has been classified as a Variant of Uncertain Significance.

NM_001378615.1(CC2D2A):c.1855C>T (p.Pro619Ser)

Genes: CC2D2A (coiled-coil and C2 domain containing 2A; plus strand), FBXL5 (F-box and leucine rich repeat protein 5; minus strand). Cytogenetic location: 4p15.32.
Variant type: single nucleotide variant.
Coding change: c.1855C>T on transcript NM_001378615.1 (MANE Select); coding-DNA position 1855, C replaced by T.
Protein change: p.Pro619Ser; replaces proline 619 with serine.
Molecular consequence: missense variant.
Genome position (GRCh38, 1-based): chr4:15,537,989, C>T. VCF-style: chr4-15537989-C-T. GRCh37 (hg19) VCF-style: chr4-15539612-C-T.
Other names: c.1855C>T, p.Pro619Ser (NM_001080522.2); c.1708C>T, p.Pro570Ser (NM_001378617.1); short protein forms P570S, P619S.
Identifiers: ClinVar variation 1035902 (VCV001035902.9), dbSNP rs1427654469, ClinGen allele CA356411727.